The following is an entry in ClinVar:

ClinVar aggregate classification (germline): Benign/Likely benign. Review status: criteria provided, multiple submitters, no conflicts (2 of 4 stars). 5 submissions from 4 submitters: Benign (1); Likely benign (3). 1 of the submissions does not count toward it. Last evaluated 2026-01-13.

Conditions:
Rothmund-Thomson syndrome type 2 (RTS2). Identifiers: Orphanet 221016, MedGen C5203410, MONDO:0016369, OMIM 268400.
RECQL4-related disorder. Also called: RECQL4-related disorders; RECQL4-related condition.
Baller-Gerold syndrome (BGS). Also called: CRANIOSYNOSTOSIS WITH RADIAL DEFECTS. Identifiers: Orphanet 1225, MedGen C0265308, MONDO:0009039, OMIM 218600.
Rapadilino syndrome. Identifiers: Orphanet 3021, MedGen C1849453, MONDO:0009955, OMIM 266280.

Allele frequency attached by ClinVar (database versions not stated): gnomAD 0.00002 and 0.00003; ExAC 0.00003; gnomAD exomes 0.00004 and 0.00006; TOPMed 0.00005; ESP Exome Variant Server 0.00008.
gnomAD v4.1: 65 of 1,612,340 alleles (0.004%); highest among the groups gnomAD compares: Middle Eastern, 0.033%; no homozygotes.

Submissions (5):

Labcorp Genetics (formerly Invitae), Labcorp
Classification: Likely benign for Baller-Gerold syndrome. Last evaluated: 2026-01-13. Review status: criteria provided, single submitter. Criteria: Invitae Variant Classification Sherloc (09022015). Collection method: clinical testing. Allele origin: germline.

CeGaT Center for Human Genetics Tuebingen
Classification: Likely benign. Last evaluated: 2025-09-01. Review status: criteria provided, single submitter. Criteria: CeGaT Center For Human Genetics Tuebingen Variant Classification Criteria Version 2. Collection method: clinical testing. Allele origin: germline. Affected: yes. Observed: 3 variant alleles.
Comment: RECQL4: BP4, BP7

KCCC/NGS Laboratory, Kuwait Cancer Control Center
Classification: Benign for Rapadilino syndrome. Last evaluated: 2025-02-01. Review status: criteria provided, single submitter. Criteria: ACMG Guidelines, 2015. Collection method: clinical testing. Allele origin: germline. Affected: no.

KCCC/NGS Laboratory, Kuwait Cancer Control Center
Classification: Likely benign for Rothmund-Thomson syndrome type 2. Last evaluated: 2023-07-07. Review status: criteria provided, single submitter. Criteria: ACMG Guidelines, 2015. Collection method: clinical testing. Allele origin: germline. Affected: yes.

PreventionGenetics, part of Exact Sciences
Classification: Likely benign for RECQL4-related condition. Last evaluated: 2022-05-24. Review status: no assertion criteria provided. Collection method: clinical testing. Allele origin: germline. Not counted in ClinVar's aggregate classification.
Comment: This variant is classified as likely benign based on ACMG/AMP sequence variant interpretation guidelines (Richards et al. 2015 PMID: 25741868, with internal and published modifications).

NM_004260.4(RECQL4):c.2952C>T (p.Ser984=)

Gene: RECQL4 (RecQ like helicase 4; minus strand). Cytogenetic location: 8q24.3.
Variant type: single nucleotide variant.
Coding change: c.2952C>T on transcript NM_004260.4 (MANE Select); coding-DNA position 2952, C replaced by T.
Protein change: p.Ser984=; no amino-acid change (serine 984 retained).
Molecular consequence: synonymous variant.
Genome position (GRCh38, 1-based): chr8:144,512,495, G>A on the plus strand (C>T on the coding strand, the complement: RECQL4 is on the minus strand). VCF-style: chr8-144512495-G-A. GRCh37 (hg19) VCF-style: chr8-145737878-G-A.
Identifiers: ClinVar variation 459445 (VCV000459445.37), dbSNP rs373784742, ClinGen allele CA4947994.